The following is an entry in ClinVar:

ClinVar aggregate classification (germline): Likely benign (1 of 4 stars; one submission).

Conditions:
Short stature due to growth hormone secretagogue receptor deficiency (GHDP). Also called: Short stature due to GHSR deficiency. Identifiers: Orphanet 314811, MedGen C5887324, MONDO:0014403, OMIM 615925.

Allele frequency attached by ClinVar (database versions not stated): 1000 Genomes Project 0.00459; 1000 Genomes Project 30x 0.00515; TOPMed 0.00901; gnomAD 0.01000 and 0.01031.

Submission:

Illumina Laboratory Services, Illumina
Classification: Likely benign for Short stature due to growth hormone secretagogue receptor deficiency. Last evaluated: 2018-01-13. Review status: criteria provided, single submitter. Criteria: ICSL Variant Classification Criteria 13 December 2019. Collection method: clinical testing. Allele origin: germline.
Comment: This variant was observed in the ICSL laboratory as part of a predisposition screen in an ostensibly healthy population. It had not been previously curated by ICSL or reported in the Human Gene Mutation Database (HGMD: prior to June 1st, 2018), and was therefore a candidate for classification through an automated scoring system. Utilizing variant allele frequency, disease prevalence and penetrance estimates, and inheritance mode, an automated score was calculated to assess if this variant is too frequent to cause the disease. Based on the score and internal cut-off values, a variant classified as likely benign is not then subjected to further curation. The score for this variant resulted in a classification of likely benign for this disease.

NM_198407.2(GHSR):c.*398T>C

Gene: GHSR (growth hormone secretagogue receptor; minus strand). Cytogenetic location: 3q26.31.
Variant type: single nucleotide variant.
Coding change: c.*398T>C on transcript NM_198407.2 (MANE Select); 398 bases downstream of the stop codon, T replaced by C.
Molecular consequence: 3 prime UTR variant.
Genome position (GRCh38, 1-based): chr3:172,444,763, A>G on the plus strand (T>C on the coding strand, the complement: GHSR is on the minus strand). VCF-style: chr3-172444763-A-G. GRCh37 (hg19) VCF-style: chr3-172162553-A-G.
Identifiers: ClinVar variation 901870 (VCV000901870.4), dbSNP rs139778759, ClinGen allele CA87781286.